The following is an entry in ClinVar:

NM_020461.4(TUBGCP6):c.2271-125G>A

Gene: TUBGCP6 (tubulin gamma complex component 6; minus strand). Cytogenetic location: 22q13.33.
Variant type: single nucleotide variant.
Coding change: c.2271-125G>A on transcript NM_020461.4 (MANE Select); 125 bases into the intron before coding-DNA position 2271, G replaced by A.
Molecular consequence: intron variant.
Genome position (GRCh38, 1-based): chr22:50,222,717, C>T on the plus strand (G>A on the coding strand, the complement: TUBGCP6 is on the minus strand). VCF-style: chr22-50222717-C-T. GRCh37 (hg19) VCF-style: chr22-50661146-C-T.
Identifiers: ClinVar variation 4526665 (VCV004526665.1).

ClinVar aggregate classification (germline): Uncertain significance (1 of 4 stars; one submission).

Conditions:
Microcephaly and chorioretinopathy 1. Also called: Microcephaly and chorioretinopathy, autosomal recessive, 1. Identifiers: MedGen C3278481, MONDO:0009624, OMIM 251270.

gnomAD v4.1: 34 of 1,360,008 alleles (0.0025%); highest among the groups gnomAD compares: Admixed American, 0.033%; no homozygotes.

Submission:

Hadassah Hebrew University Medical Center
Classification: Uncertain significance for Microcephaly and chorioretinopathy 1. Last evaluated: 2025-10-01. Review status: criteria provided, single submitter. Criteria: ACMG Guidelines, 2015. Collection method: clinical testing. Allele origin: germline. Affected: yes.
Comment: This deep intronic variant is located in intron 13 of TUBGCP6. It is predicted by computational prediction tools to disrupt mRNA splicing.